The following is an entry in ClinVar:

ClinVar aggregate classification (germline): Uncertain significance (1 of 4 stars; one submission).

Submission:

GeneDx
Classification: Uncertain significance. Last evaluated: 2022-12-02. Review status: criteria provided, single submitter. Criteria: GeneDx Variant Classification Process June 2021. Collection method: clinical testing. Allele origin: germline. Affected: yes.
Comment: Not observed at significant frequency in large population cohorts (gnomAD); In silico analysis supports that this missense variant does not alter protein structure/function; Has not been previously published as pathogenic or benign to our knowledge

NM_144991.3(TSPEAR):c.196C>G (p.Pro66Ala)

Gene: TSPEAR (thrombospondin type laminin G domain and EAR repeats; minus strand). Cytogenetic location: 21q22.3.
Variant type: single nucleotide variant.
Coding change: c.196C>G on transcript NM_144991.3 (MANE Select); coding-DNA position 196, C replaced by G.
Protein change: p.Pro66Ala; replaces proline 66 with alanine.
Molecular consequence: missense variant. On other transcripts: 5 prime UTR variant (1).
Genome position (GRCh38, 1-based): chr21:44,567,892, G>C on the plus strand (C>G on the coding strand, the complement: TSPEAR is on the minus strand). VCF-style: chr21-44567892-G-C. GRCh37 (hg19) VCF-style: chr21-45987776-G-C.
Other names: c.-9C>G (NM_001272037.2); short protein forms P66A.
Identifiers: ClinVar variation 2504303 (VCV002504303.1), dbSNP rs1555921942, ClinGen allele CA410467535.